The following is an entry in ClinVar:

ClinVar aggregate classification (germline): Uncertain significance (1 of 4 stars; one submission).

Conditions:
Glycine encephalopathy. Also called: Nonketotic hyperglycinemia; Non-ketotic hyperglycinemia. Identifiers: Orphanet 407, MedGen C0751748, MONDO:0011612, HP:0008288.

Submission:

Labcorp Genetics (formerly Invitae), Labcorp
Classification: Uncertain significance for Glycine encephalopathy. Last evaluated: 2024-10-17. Review status: criteria provided, single submitter. Criteria: Invitae Variant Classification Sherloc (09022015). Collection method: clinical testing. Allele origin: germline.
Comment: This sequence change replaces phenylalanine, which is neutral and non-polar, with isoleucine, which is neutral and non-polar, at codon 79 of the AMT protein (p.Phe79Ile). This variant is not present in population databases (gnomAD no frequency). This variant has not been reported in the literature in individuals affected with AMT-related conditions. ClinVar contains an entry for this variant (Variation ID: 2038272). Invitae Evidence Modeling of protein sequence and biophysical properties (such as structural, functional, and spatial information, amino acid conservation, physicochemical variation, residue mobility, and thermodynamic stability) has been performed for this missense variant. However, the output from this modeling did not meet the statistical confidence thresholds required to predict the impact of this variant on AMT protein function. In summary, the available evidence is currently insufficient to determine the role of this variant in disease. Therefore, it has been classified as a Variant of Uncertain Significance.

NM_000481.4(AMT):c.235T>A (p.Phe79Ile)

Gene: AMT (aminomethyltransferase; minus strand). Cytogenetic location: 3p21.31.
Variant type: single nucleotide variant.
Coding change: c.235T>A on transcript NM_000481.4 (MANE Select); coding-DNA position 235, T replaced by A.
Protein change: p.Phe79Ile; replaces phenylalanine 79 with isoleucine.
Molecular consequence: missense variant. On other transcripts: non-coding transcript variant (1), intron variant (1).
Genome position (GRCh38, 1-based): chr3:49,422,127, A>T on the plus strand (T>A on the coding strand, the complement: AMT is on the minus strand). VCF-style: chr3-49422127-A-T. GRCh37 (hg19) VCF-style: chr3-49459560-A-T.
Other names: c.235T>A, p.Phe79Ile (NM_001164710.2, NM_001164712.2); c.90+234T>A (NM_001164711.2); short protein forms F79I.
Identifiers: ClinVar variation 2038272 (VCV002038272.4), dbSNP rs2471160488, ClinGen allele CA352791061.